The following is an entry in ClinVar:

NM_002184.4(IL6ST):c.521C>G (p.Ala174Gly)

Gene: IL6ST (interleukin 6 cytokine family signal transducer; minus strand). Cytogenetic location: 5q11.2.
Variant type: single nucleotide variant.
Coding change: c.521C>G on transcript NM_002184.4 (MANE Select); coding-DNA position 521, C replaced by G.
Protein change: p.Ala174Gly; replaces alanine 174 with glycine.
Molecular consequence: missense variant. On other transcripts: 5 prime UTR variant (3), non-coding transcript variant (2).
Genome position (GRCh38, 1-based): chr5:55,964,283, G>C on the plus strand (C>G on the coding strand, the complement: IL6ST is on the minus strand). VCF-style: chr5-55964283-G-C. GRCh37 (hg19) VCF-style: chr5-55260111-G-C.
Other names: c.521C>G (NM_002184.3); c.521C>G, p.Ala174Gly (NM_001190981.2, NM_001364275.2, NM_175767.3); c.311C>G, p.Ala104Gly (NM_001364276.2); c.-393C>G (NM_001364277.2, NM_001364279.2); c.-383C>G (NM_001364278.2); short protein forms A104G, A174G.
Identifiers: ClinVar variation 2420270 (VCV002420270.6), dbSNP rs771494585, ClinGen allele CA3271678.

ClinVar aggregate classification (germline): Uncertain significance. Review status: criteria provided, multiple submitters, no conflicts (2 of 4 stars). 2 submissions from 2 submitters: Uncertain significance (2). Last evaluated 2025-04-10.

Allele frequency attached by ClinVar (database versions not stated): TOPMed below 0.00001; gnomAD 0.00001; gnomAD exomes 0.00001; ExAC 0.00002.
gnomAD v4.1: 5 of 1,611,612 alleles (0.00031%); highest among the groups gnomAD compares: Admixed American, 0.0084%; no homozygotes.

Submissions (2):

Ambry Genetics
Classification: Uncertain significance. Last evaluated: 2025-04-10. Review status: criteria provided, single submitter. Criteria: Ambry Variant Classification Scheme 2023. Collection method: clinical testing. Allele origin: germline.

Labcorp Genetics (formerly Invitae), Labcorp
Classification: Uncertain significance. Last evaluated: 2024-10-16. Review status: criteria provided, single submitter. Criteria: Invitae Variant Classification Sherloc (09022015). Collection method: clinical testing. Allele origin: germline.
Comment: This sequence change replaces alanine, which is neutral and non-polar, with glycine, which is neutral and non-polar, at codon 174 of the IL6ST protein (p.Ala174Gly). This variant is present in population databases (rs771494585, gnomAD 0.009%). This variant has not been reported in the literature in individuals affected with IL6ST-related conditions. ClinVar contains an entry for this variant (Variation ID: 2420270). An algorithm developed to predict the effect of missense changes on protein structure and function (PolyPhen-2) suggests that this variant is likely to be tolerated. In summary, the available evidence is currently insufficient to determine the role of this variant in disease. Therefore, it has been classified as a Variant of Uncertain Significance.